The following is an entry in ClinVar:

NM_001354587.1(ANKRD36):c.885A>G (p.Gly295=)

Gene: ANKRD36 (ankyrin repeat domain 36; plus strand). Cytogenetic location: 2q11.2.
Variant type: single nucleotide variant.
Coding change: c.885A>G on transcript NM_001354587.1 (MANE Select); coding-DNA position 885, A replaced by G.
Protein change: p.Gly295=; no amino-acid change (glycine 295 retained).
Molecular consequence: synonymous variant.
Genome position (GRCh38, 1-based): chr2:97,142,819, A>G. VCF-style: chr2-97142819-A-G. GRCh37 (hg19) VCF-style: chr2-97808556-A-G.
Identifiers: ClinVar variation 4820986 (VCV004820986.4).

ClinVar aggregate classification (germline): Likely benign (1 of 4 stars; one submission).

gnomAD v4.1: 2,161 of 1,564,390 alleles (0.14%); highest among the groups gnomAD compares: Non-Finnish European, 0.11%; 14 homozygotes.

Submission:

CeGaT Center for Human Genetics Tuebingen
Classification: Likely benign. Last evaluated: 2026-03-01. Review status: criteria provided, single submitter. Criteria: CeGaT Center For Human Genetics Tuebingen Variant Classification Criteria Version 2. Collection method: clinical testing. Allele origin: germline. Affected: yes. Observed: 1 variant allele.
Comment: ANKRD36: BS2